The following is an entry in ClinVar:

ClinVar aggregate classification (germline): Likely pathogenic (1 of 4 stars; one submission).

Conditions:
Familial thoracic aortic aneurysm and aortic dissection (TAAD). Also called: Thoracic aortic aneurysms and dissections. Identifiers: Orphanet 91387, MedGen C4707243, MONDO:0019625.

Submission:

Ambry Genetics
Classification: Likely pathogenic for Familial thoracic aortic aneurysm and aortic dissection. Last evaluated: 2018-05-17. Review status: criteria provided, single submitter. Criteria: Ambry Variant Classification Scheme 2023. Collection method: clinical testing. Allele origin: germline.
Comment: The p.C1195Y variant (also known as c.3584G>A), located in coding exon 28 of the FBN1 gene, results from a G to A substitution at nucleotide position 3584. The cysteine at codon 1195 is replaced by tyrosine, an amino acid with highly dissimilar properties. This variant was reported in a patient with classic Marfan syndrome and the occurrence was reported to be de novo (Stheneur C et al, Eur. J. Hum. Genet. 2009 Sep; 17(9):1121-8). This amino acid position is highly conserved in available vertebrate species. In addition, this alteration is predicted to be deleterious by in silico analysis. Based on internal structural assessment, this alteration eliminates a structurally critical disulfide in the structurally sensitive cbEGF domain #14. The majority of FBN1 mutations identified to date have involved the substitution or generation of cysteine residues within cbEGF domains (Vollbrandt T et al. J Biol Chem. 2004;279(31):32924-32931). Based on the majority of available evidence to date, this variant is likely to be pathogenic.

Literature cited by the submitters: PubMed 19293843.

NM_000138.5(FBN1):c.3584G>A (p.Cys1195Tyr)

Gene: FBN1 (fibrillin 1; minus strand). Cytogenetic location: 15q21.1.
Variant type: single nucleotide variant.
Coding change: c.3584G>A on transcript NM_000138.5 (MANE Select); coding-DNA position 3584, G replaced by A.
Protein change: p.Cys1195Tyr; replaces cysteine 1195 with tyrosine.
Molecular consequence: missense variant.
Genome position (GRCh38, 1-based): chr15:48,487,080, C>T on the plus strand (G>A on the coding strand, the complement: FBN1 is on the minus strand). VCF-style: chr15-48487080-C-T. GRCh37 (hg19) VCF-style: chr15-48779277-C-T.
Other names: short protein forms C1195Y.
Identifiers: ClinVar variation 263427 (VCV000263427.5), dbSNP rs886038802, ClinGen allele CA10587834.